The following is an entry in ClinVar:

NM_000059.4(BRCA2):c.4058_4062del (p.Glu1353fs)

Gene: BRCA2 (BRCA2 DNA repair associated; plus strand). Cytogenetic location: 13q13.1.
Variant type: Deletion.
Coding change: c.4058_4062del on transcript NM_000059.4 (MANE Select); coding-DNA positions 4058 to 4062, 5 bases deleted (AAACG; older notation c.4058_4062delAAACG).
Protein change: p.Glu1353fs; shifts the reading frame from glutamic acid 1353.
Molecular consequence: frameshift variant.
Genome position (GRCh38, 1-based): chr13:32,338,413-32,338,417, AAACG deleted; deleting any 5 consecutive bases within chr13:32,338,412-32,338,417 gives the same sequence; the c. name uses the placement nearest the transcript's 3' end. VCF-style (leftmost placement, unchanged base first): chr13-32338411-TGAAAC-T. GRCh37 (hg19) VCF-style: chr13-32912548-TGAAAC-T.
Other names: 4286del5; c.4058_4062delAAACG (NM_000059.3).
Identifiers: ClinVar variation 37875 (VCV000037875.33), dbSNP rs397507322, ClinGen allele CA019444.
Genomic context (GRCh38, chr13:32,338,411, plus strand): 5'-TAACTTAGAATTTGATGGCAGTGATTCAAGTAAAAATGATACTGTTTGTATTCATAAAGA[TGAAAC>T]GGACTTGCTATTTACTGATCAGCACAACATATGTCTTAAATTATCTGGCCAGTTTATGAA-3'

ClinVar aggregate classification (germline): Pathogenic. Review status: reviewed by expert panel (3 of 4 stars). 11 submissions from 11 submitters: Pathogenic (1). 10 of the submissions do not count toward it. Last evaluated 2016-09-08.

Conditions:
Hereditary cancer-predisposing syndrome. Also called: Tumor predisposition; Neoplastic Syndromes, Hereditary; Hereditary neoplastic syndrome; Hereditary Cancer Syndrome. Identifiers: Orphanet 140162, MedGen C0027672, MeSH D009386, MONDO:0015356.
Hereditary breast ovarian cancer syndrome. Also called: Hereditary breast and ovarian cancer; Hereditary breast and ovarian cancer syndrome (HBOC); Hereditary breast and/or ovarian cancer syndrome; Breast and ovarian cancer; Hereditary breast and ovarian cancer syndrome; BRCA1- and BRCA2-Associated Hereditary Breast and Ovarian Cancer. Identifiers: Orphanet 145, MedGen C0677776, MeSH D061325, MONDO:0003582. Disease mechanism: loss of function.
Breast-ovarian cancer, familial, susceptibility to, 2 (BROVCA2). Also called: BRCA2 Hereditary Breast and Ovarian Cancer. Identifiers: Orphanet 145, MedGen C2675520, MONDO:0012933, OMIM 612555. Disease mechanism: loss of function.
Familial cancer of breast. Also called: Hereditary breast cancer; BREAST CANCER, FAMILIAL; hereditary breast carcinoma. Identifiers: Orphanet 227535, MedGen C0346153, MONDO:0016419, OMIM 114480. Disease mechanism: loss of function.

Submissions (11):

Evidence-based Network for the Interpretation of Germline Mutant Alleles (ENIGMA)
Classification: Pathogenic for Breast-ovarian cancer, familial, susceptibility to, 2. Last evaluated: 2016-09-08. Review status: reviewed by expert panel. Criteria: ENIGMA BRCA1/2 Classification Criteria (2015). Collection method: curation. Allele origin: germline.
Comment: Variant allele predicted to encode a truncated non-functional protein.

Labcorp Genetics (formerly Invitae), Labcorp
Classification: Pathogenic for Hereditary breast ovarian cancer syndrome. Last evaluated: 2025-09-19. Review status: criteria provided, single submitter. Criteria: Invitae Variant Classification Sherloc (09022015). Collection method: clinical testing. Allele origin: germline. Not counted in ClinVar's aggregate classification.
Comment: This sequence change creates a premature translational stop signal (p.Glu1353Glyfs*6) in the BRCA2 gene. It is expected to result in an absent or disrupted protein product. Loss-of-function variants in BRCA2 are known to be pathogenic (PMID: 20104584). This variant is present in population databases (rs397507322, gnomAD 0.007%). This premature translational stop signal has been observed in individual(s) with breast cancer (PMID: 21318380). This variant is also known as c.4057_4061del5 and 4286del5. ClinVar contains an entry for this variant (Variation ID: 37875). For these reasons, this variant has been classified as Pathogenic.

Ambry Genetics
Classification: Pathogenic for Hereditary cancer-predisposing syndrome. Last evaluated: 2025-03-26. Review status: criteria provided, single submitter. Criteria: Ambry Variant Classification Scheme 2023. Collection method: clinical testing. Allele origin: germline. Not counted in ClinVar's aggregate classification.
Comment: The c.4058_4062delAAACG pathogenic mutation, located in coding exon 10 of the BRCA2 gene, results from a deletion of 5 nucleotides at nucleotide positions 4058 to 4062, causing a translational frameshift with a predicted alternate stop codon (p.E1353Gfs*6). This variant was observed in an individual with early onset-breast cancer amongst a cohort of 1781 non-Ashkenazi Jewish individuals undergoing BRCA1/2 gene testing based on a personal history of breast cancer (Tung N et al. Cancer, 2015 Jan;121:25-33). This alteration was also identified in a large, worldwide study of BRCA1/2 mutation positive families (Rebbeck TR et al. Hum Mutat, 2018 05;39:593-620). This variant is considered to be rare based on population cohorts in the Genome Aggregation Database (gnomAD). In addition to the clinical data presented in the literature, this alteration is expected to result in loss of function by premature protein truncation or nonsense-mediated mRNA decay. As such, this alteration is interpreted as a disease-causing mutation.

GeneDx
Classification: Pathogenic. Last evaluated: 2025-02-12. Review status: criteria provided, single submitter. Criteria: GeneDx Variant Classification Process June 2021. Collection method: clinical testing. Allele origin: germline. Affected: yes. Not counted in ClinVar's aggregate classification.
Comment: Observed in individuals with a personal or family history consistent with pathogenic variants in this gene (PMID: 25186627, 29446198); Frameshift variant predicted to result in protein truncation or nonsense mediated decay in a gene for which loss of function is a known mechanism of disease; Truncating variants in this gene are considered pathogenic by a well-established clinical consortium and/or database; Not observed at significant frequency in large population cohorts (gnomAD); Also known as 4286_4290delAAACG; This variant is associated with the following publications: (PMID: 25186627, 21318380, 29446198, 30720243, 20104584)

Baylor Genetics
Classification: Pathogenic for Familial cancer of breast. Last evaluated: 2024-01-23. Review status: criteria provided, single submitter. Criteria: ACMG Guidelines, 2015. Collection method: clinical testing. Allele origin: unknown. Not counted in ClinVar's aggregate classification.

Women's Health and Genetics/Laboratory Corporation of America, LabCorp
Classification: Pathogenic for Hereditary breast ovarian cancer syndrome. Last evaluated: 2022-06-13. Review status: criteria provided, single submitter. Criteria: LabCorp Variant Classification Summary - May 2015. Collection method: clinical testing. Allele origin: germline. Not counted in ClinVar's aggregate classification.
Comment: Variant summary: BRCA2 c.4058_4062delAAACG (p.Glu1353GlyfsX6) results in a premature termination codon, predicted to cause a truncation of the encoded protein or absence of the protein due to nonsense mediated decay, which are commonly known mechanisms for disease. Multiple truncations downstream of this position have been classified as pathogenic by our laboratory (example c.4092_4093delAT [p.Ile1364fsX3], c.4111C>T [p.Gln1371X], and c.4133_4136delCTCA [p.Thr1378fsX9]). The variant was absent in 241134 control chromosomes (gnomAD). c.4058_4062delAAACG has been reported in the literature in individuals affected with and a family history of breast and/or ovarian cancers (example Tung_2014, Rebbeck_2018). These data indicate that the variant is likely with disease. To our knowledge, no experimental evidence demonstrating an impact on protein function has been reported. Eight clinical-significance assessments for this variant have been submitted to ClinVar after 2014. Seven submitters classified the variant as pathogenic and one as likely pathogenic. Based on the evidence outlined above, the variant was classified as pathogenic.

Color Diagnostics, LLC DBA Color Health
Classification: Pathogenic for Hereditary cancer-predisposing syndrome. Last evaluated: 2022-01-27. Review status: criteria provided, single submitter. Criteria: ACMG Guidelines, 2015. Collection method: clinical testing. Allele origin: germline. Not counted in ClinVar's aggregate classification.
Comment: This variant deletes 5 nucleotides in exon 11 of the BRCA2 gene, creating a frameshift and premature translation stop signal. This variant is expected to result in an absent or non-functional protein product. This variant has not been identified in the general population by the Genome Aggregation Database (gnomAD). Loss of BRCA2 function is a known mechanism of disease. Based on the available evidence, this variant is classified as Pathogenic.

Quest Diagnostics Nichols Institute San Juan Capistrano
Classification: Pathogenic. Last evaluated: 2021-04-10. Review status: criteria provided, single submitter. Criteria: Quest Diagnostics criteria. Collection method: clinical testing. Allele origin: unknown. Not counted in ClinVar's aggregate classification.
Comment: This frameshift variant causes the premature termination of BRCA2 protein synthesis. In addition, it has been reported in individuals affected with breast cancer in the published literature (PMID: 21318380 (2011), 25186627 (2015), 29446198 (2018)). This variant has not been reported in large, multi-ethnic general populations. Based on the available information, this variant is classified as pathogenic.

Consortium of Investigators of Modifiers of BRCA1/2 (CIMBA), c/o University of Cambridge
Classification: Pathogenic for Breast-ovarian cancer, familial, susceptibility to, 2. Last evaluated: 2015-10-02. Review status: criteria provided, single submitter. Criteria: CIMBA Mutation Classification guidelines May 2016. Collection method: clinical testing. Allele origin: germline. Not counted in ClinVar's aggregate classification.

Counsyl
Classification: Likely pathogenic for Breast-ovarian cancer, familial, susceptibility to, 2. Last evaluated: 2016-11-08. Review status: no assertion criteria provided. Collection method: clinical testing. Allele origin: unknown. Not counted in ClinVar's aggregate classification.

Sharing Clinical Reports Project (SCRP)
Classification: Pathogenic for Breast-ovarian cancer, familial 2. Last evaluated: 2013-10-23. Review status: no assertion criteria provided. Collection method: clinical testing. Allele origin: germline. Not counted in ClinVar's aggregate classification.

Literature cited by the submitters: PubMed 20104584 (cited by Labcorp Genetics (formerly Invitae), Labcorp); PubMed 21318380 (cited by Labcorp Genetics (formerly Invitae), Labcorp and Quest Diagnostics Nichols Institute San Juan Capistrano); PubMed 25186627 (cited by 4 submitters); PubMed 29446198 (cited by 4 submitters).